The following is an entry in ClinVar:

NM_006269.2(RP1):c.3830G>A (p.Ser1277Asn)

Gene: RP1 (RP1 axonemal microtubule associated; plus strand). Cytogenetic location: 8q12.1.
Variant type: single nucleotide variant.
Coding change: c.3830G>A on transcript NM_006269.2 (MANE Select); coding-DNA position 3830, G replaced by A.
Protein change: p.Ser1277Asn; replaces serine 1277 with asparagine.
Molecular consequence: missense variant. On other transcripts: intron variant (1).
Genome position (GRCh38, 1-based): chr8:54,627,712, G>A. VCF-style: chr8-54627712-G-A. GRCh37 (hg19) VCF-style: chr8-55540272-G-A.
Other names: c.787+5424G>A (NM_001375654.1); short protein forms S1277N.
Identifiers: ClinVar variation 2789414 (VCV002789414.3), dbSNP rs1396347919, ClinGen allele CA370997366.

ClinVar aggregate classification (germline): Uncertain significance (1 of 4 stars; one submission).

Allele frequency attached by ClinVar (database versions not stated): gnomAD exomes below 0.00001.
gnomAD v4.1: 2 of 1,614,168 alleles (0.00012%); highest among the groups gnomAD compares: South Asian, 0.0011%; no homozygotes.

Submission:

Labcorp Genetics (formerly Invitae), Labcorp
Classification: Uncertain significance. Last evaluated: 2024-04-25. Review status: criteria provided, single submitter. Criteria: Invitae Variant Classification Sherloc (09022015). Collection method: clinical testing. Allele origin: germline.
Comment: This sequence change replaces serine, which is neutral and polar, with asparagine, which is neutral and polar, at codon 1277 of the RP1 protein (p.Ser1277Asn). This variant is present in population databases (no rsID available, gnomAD 0.0009%). This variant has not been reported in the literature in individuals affected with RP1-related conditions. Algorithms developed to predict the effect of missense changes on protein structure and function output the following: SIFT: "Not Available"; PolyPhen-2: "Benign"; Align-GVGD: "Not Available". The asparagine amino acid residue is found in multiple mammalian species, which suggests that this missense change does not adversely affect protein function. In summary, the available evidence is currently insufficient to determine the role of this variant in disease. Therefore, it has been classified as a Variant of Uncertain Significance.